The following is an entry in ClinVar:

ClinVar aggregate classification (germline): Uncertain significance (1 of 4 stars; one submission).

Conditions:
Congenital myasthenic syndrome 12 (CMS12). Also called: Myasthenia, congenital, 12, with tubular aggregates; MYASTHENIC SYNDROME, CONGENITAL, WITH TUBULAR AGGREGATES 1. Identifiers: Orphanet 353327, Orphanet 590, MedGen C3552335, MONDO:0012518, OMIM 610542.

Allele frequency attached by ClinVar (database versions not stated): gnomAD exomes 0.00001 and 0.00004; ExAC 0.00002; gnomAD 0.00007; TOPMed 0.00008.
gnomAD v4.1: 26 of 1,570,740 alleles (0.0017%); highest among the groups gnomAD compares: Admixed American, 0.03%; no homozygotes.

Submission:

Labcorp Genetics (formerly Invitae), Labcorp
Classification: Uncertain significance for Congenital myasthenic syndrome 12. Last evaluated: 2022-08-16. Review status: criteria provided, single submitter. Criteria: Invitae Variant Classification Sherloc (09022015). Collection method: clinical testing. Allele origin: germline.
Comment: Algorithms developed to predict the effect of missense changes on protein structure and function (SIFT, PolyPhen-2, Align-GVGD) all suggest that this variant is likely to be disruptive. In summary, the available evidence is currently insufficient to determine the role of this variant in disease. Therefore, it has been classified as a Variant of Uncertain Significance. This sequence change replaces isoleucine, which is neutral and non-polar, with threonine, which is neutral and polar, at codon 121 of the GFPT1 protein (p.Ile121Thr). This variant is present in population databases (rs753866967, gnomAD 0.02%). This missense change has been observed in individual(s) with congenital myasthenic syndrome (PMID: 21310273; Invitae). ClinVar contains an entry for this variant (Variation ID: 645814).

Literature cited by the submitters: PubMed 21310273.

NM_001244710.2(GFPT1):c.362T>C (p.Ile121Thr)

Gene: GFPT1 (glutamine--fructose-6-phosphate transaminase 1; minus strand). Cytogenetic location: 2p13.3.
Variant type: single nucleotide variant.
Coding change: c.362T>C on transcript NM_001244710.2 (MANE Select); coding-DNA position 362, T replaced by C.
Protein change: p.Ile121Thr; replaces isoleucine 121 with threonine.
Molecular consequence: missense variant.
Genome position (GRCh38, 1-based): chr2:69,359,314, A>G on the plus strand (T>C on the coding strand, the complement: GFPT1 is on the minus strand). VCF-style: chr2-69359314-A-G. GRCh37 (hg19) VCF-style: chr2-69586446-A-G.
Other names: c.362T>C, p.Ile121Thr (NM_002056.4); short protein forms I121T.
Identifiers: ClinVar variation 645814 (VCV000645814.10), dbSNP rs753866967, ClinGen allele CA1693902.